The following is an entry in ClinVar:

ClinVar aggregate classification (germline): Uncertain significance (1 of 4 stars; one submission).

Conditions:
RASopathy. Also called: Noonan spectrum disorder; rasopathies. Identifiers: Orphanet 536391, MedGen C5555857, MONDO:0021060.

Allele frequency attached by ClinVar (database versions not stated): TOPMed below 0.00001.

Submission:

Labcorp Genetics (formerly Invitae), Labcorp
Classification: Uncertain significance for RASopathy. Last evaluated: 2025-11-17. Review status: criteria provided, single submitter. Criteria: Invitae Variant Classification Sherloc (09022015). Collection method: clinical testing. Allele origin: germline.
Comment: This sequence change creates a premature translational stop signal (p.Arg718*) in the CBL gene. It is expected to result in an absent or disrupted protein product. However, the current clinical and genetic evidence is not sufficient to establish whether loss-of-function variants in CBL cause disease. This variant is not present in population databases (gnomAD no frequency). This variant has not been reported in the literature in individuals affected with CBL-related conditions. ClinVar contains an entry for this variant (Variation ID: 2989248). In summary, the available evidence is currently insufficient to determine the role of this variant in disease. Therefore, it has been classified as a Variant of Uncertain Significance.

NM_005188.4(CBL):c.2152C>T (p.Arg718Ter)

Gene: CBL (Cbl proto-oncogene; plus strand). Cytogenetic location: 11q23.3.
Variant type: single nucleotide variant.
Coding change: c.2152C>T on transcript NM_005188.4 (MANE Select); coding-DNA position 2152, C replaced by T.
Protein change: p.Arg718Ter; replaces arginine 718 with a stop codon.
Molecular consequence: nonsense.
Genome position (GRCh38, 1-based): chr11:119,297,033, C>T. VCF-style: chr11-119297033-C-T. GRCh37 (hg19) VCF-style: chr11-119167743-C-T.
Other names: short protein forms R718*.
Identifiers: ClinVar variation 2989248 (VCV002989248.3), dbSNP rs1950068654, ClinGen allele CA382927503.